The following is an entry in ClinVar:

ClinVar aggregate classification (germline): Conflicting classifications of pathogenicity. Review status: criteria provided, conflicting classifications (1 of 4 stars). 8 submissions from 8 submitters: Pathogenic (4); Likely pathogenic (3); Uncertain significance (1). Last evaluated 2026-03-25.

Conditions:
Glycogen storage disease due to phosphoglycerate kinase 1 deficiency. Also called: PHOSPHOGLYCERATE KINASE 1 DEFICIENCY WITH LEVO-DOPA-RESPONSIVE PARKINSONISM; PGK1 DEFICIENCY. Identifiers: Orphanet 713, MedGen C1970848, MONDO:0010392, OMIM 300653.
PGK1-related disorder. Also called: PGK1-related condition.

Submissions (8):

PreventionGenetics, part of Exact Sciences
Classification: Likely pathogenic for PGK1-related condition. Last evaluated: 2026-03-25. Review status: criteria provided, single submitter. Criteria: ACMG Guidelines, 2015. Collection method: clinical testing. Allele origin: germline.
Comment: The PGK1 c.639C>T variant is not predicted to result in an amino acid change (p.=). This variant is predicted to create a cryptic splice donor site that would result in the loss of four nucleotides from the end of exon six (SpliceAI, Jaganathan et al. 2019. PubMed ID: 30661751). This variant has been reported in the hemizygous state in multiple individuals with symptoms of phosphoglycerate kinase deficiency (Svaasand et al. 2007. PubMed ID: 17661373; Vissing et al. 2018. PubMed ID: 30111548). This variant has also been reported in the heterozygous state in individuals with variable phenotypic expression, including asymptomatic carriers and a carrier with mild muscle stiffness during exercise (Svaasand et al. 2007. PubMed ID: 17661373). An RT-PCR study suggests this variant results in reduced PGK1 mRNA expression to 11-14% of normal in hemizygotes and 32.5-38.2% of normal in heterozygotes (Svaasand et al. 2007. PubMed ID: 17661373). Moreover, an in vitro experimental study using patient derived muscle and red blood cell samples suggests this variant results in decreased PGK1 enzyme activity to 5-9% of normal in muscle and 4.1-8% of normal in red blood cells (Vissing et al. 2018. PubMed ID: 30111548). This variant has not been reported in a large population database (gnomAD), indicating it is rare. This variant is interpreted as likely pathogenic.

3billion
Classification: Pathogenic for Glycogen storage disease due to phosphoglycerate kinase 1 deficiency. Last evaluated: 2025-05-15. Review status: criteria provided, single submitter. Criteria: ACMG Guidelines, 2015. Collection method: clinical testing. Allele origin: germline. Affected: yes.
Comment: The variant is not observed in the gnomAD v4.1.0 dataset. Predicted Consequence/Location: Synonymous variant: previously reported to alter splicing and result in a loss of normal protein function through nonsense-mediated decay (NMD) or protein truncation (PMID: 10809925, 17661373). Synonymous variant: previously reported to alter splicing and result in a loss of normal protein function through nonsense-mediated decay (NMD) or protein truncation (PMID: 10809925, 17661373). Therefore, this variant is classified as Pathogenic according to the recommendation of ACMG/AMP guideline.

Blueprint Genetics
Classification: Pathogenic for PGK1-related disorders. Last evaluated: 2024-10-14. Review status: criteria provided, single submitter. Criteria: ACMG Guidelines, 2015. Collection method: clinical testing. Allele origin: germline. Affected: yes. Observed: 4 variant alleles.

Victorian Clinical Genetics Services, Murdoch Childrens Research Institute
Classification: Pathogenic for Glycogen storage disease due to phosphoglycerate kinase 1 deficiency. Last evaluated: 2024-10-09. Review status: criteria provided, single submitter. Criteria: ACMG Guidelines, 2015. Collection method: clinical testing. Allele origin: germline. Inheritance: X-linked recessive inheritance. Affected: yes.
Comment: Based on the classification scheme VCGS_Germline_v1.3.4, this variant is classified as Pathogenic. Following criteria are met: 0102 - Loss of function is a known mechanism of disease in this gene and is associated with phosphoglycerate kinase 1 deficiency (MIM#300653). (I) 0109 - This gene is associated with X-linked recessive disease. (I) 0212 - Non-canonical splice site variant without proven consequence on splicing. (SP) 0253 - This variant is hemizygous. (I) 0301 - Variant is absent from gnomAD (v2, v3 and v4). (SP) 0705 - No comparable splice variants have previous evidence for pathogenicity. (I) 0802 - This variant has moderate previous evidence of pathogenicity in unrelated individuals. This variant has been reported as likely pathogenic, pathogenic, and as a VUS in ClinVar. Additionally, it has been observed as hemizygous in two brothers with exercise induced muscle stiffness and myoglobinuria, and as heterozygous in their mildly affected sister (PMIDs: 17661373, 10809925). (SP) 1001 - This variant has strong functional evidence supporting abnormal protein function. Quantitative PCR on blood samples from individuals heterozygous or hemizygous for this variant has shown that it results in a reduction of PGK1 mRNA expression (PMID: 17661373). (I) Legend: (SP) - Supporting pathogenic, (I) - Information, (SB) - Supporting benign

Labcorp Genetics (formerly Invitae), Labcorp
Classification: Pathogenic. Last evaluated: 2023-10-04. Review status: criteria provided, single submitter. Criteria: Invitae Variant Classification Sherloc (09022015). Collection method: clinical testing. Allele origin: germline.
Comment: This sequence change affects codon 213 of the PGK1 mRNA. It is a 'silent' change, meaning that it does not change the encoded amino acid sequence of the PGK1 protein. This variant is not present in population databases (gnomAD no frequency). This variant has been observed in individual(s) with phosphoglycerate kinase 1 deficiency (PMID: 30111548). ClinVar contains an entry for this variant (Variation ID: 167466). Studies have shown that this variant is associated with altered splicing resulting in reduced mRNA expression (PMID: 17661373). For these reasons, this variant has been classified as Pathogenic.

GeneDx
Classification: Likely pathogenic. Last evaluated: 2018-05-07. Review status: criteria provided, single submitter. Criteria: GeneDx Variant Classification (06012015). Collection method: clinical testing. Allele origin: germline. Affected: yes.
Comment: The c.639C>T variant in the PGK1 gene has been reported previously in two brothers with phosphoglycerate kinase deficiency. They presented with muscle pain, cramps, and stiffness following heavy exercise. Their sister, who was heterozygous for the c.639C>T mutation, also experienced mild muscle stiffness during exercise (Svaasand et al., 2007). This splicing variant, which also results in a synonymous change (p.Gly213Gly), is predicted to destroy the canonical splice donor site in intron 6. The c.639C>T variant is predicted to induce a large splicing change (Xiong et al., 2014). The c.639C>T variant was not observed in approximately 6,500 individuals of European and African American ancestry in the NHLBI Exome Sequencing Project, indicating it is not a common benign variant in these populations. The c.639C>T variant is a strong candidate for a disease-causing variant, however, the possibility it may be a rare benign variant cannot be excluded.

Eurofins Ntd Llc (ga)
Classification: Uncertain significance. Last evaluated: 2013-12-20. Review status: criteria provided, single submitter. Criteria: EGL Classification Definitions 2015. Collection method: clinical testing. Allele origin: germline. Observed: 1 variant allele, 1 hemizygote.

Clinical Genetics Service, Universitary Hospital 12 de Octubre
Classification: Likely pathogenic for Glycogen storage disease due to phosphoglycerate kinase 1 deficiency. Review status: criteria provided, single submitter. Criteria: ACMG Guidelines, 2015. Collection method: clinical testing. Allele origin: germline. Affected: yes.

Literature cited by the submitters: PubMed 17661373 (cited by 4 submitters); PubMed 10809925 (cited by 3billion and Victorian Clinical Genetics Services, Murdoch Childrens Research Institute); PubMed 30111548 (cited by Labcorp Genetics (formerly Invitae), Labcorp).

NM_000291.4(PGK1):c.639C>T (p.Gly213=)

Gene: PGK1 (phosphoglycerate kinase 1; plus strand). Cytogenetic location: Xq21.1.
Variant type: single nucleotide variant.
Coding change: c.639C>T on transcript NM_000291.4 (MANE Select); coding-DNA position 639, C replaced by T.
Protein change: p.Gly213=; no amino-acid change (glycine 213 retained).
Molecular consequence: synonymous variant.
Genome position (GRCh38, 1-based): chrX:78,118,168, C>T. VCF-style: chrX-78118168-C-T. GRCh37 (hg19) VCF-style: chrX-77373665-C-T.
Identifiers: ClinVar variation 167466 (VCV000167466.15), dbSNP rs797044505, ClinGen allele CA234548.
Genomic context (GRCh38, chrX:78,118,168, plus strand): 5'-GCTGAACTACTTTGCAAAGGCCTTGGAGAGCCCAGAGCGACCCTTCCTGGCCATCCTGGG[C>T]GGGTATGAAGAACTCTTTAAGATCATGCTTTAAGTATTGTTTGCCTGGTAGTAGGCCATA-3'
Protein context (NP_000282.1, residues 203-223): SPERPFLAIL[Gly213=]GAKVADKIQL